The following is an entry in ClinVar:

ClinVar aggregate classification (germline): Pathogenic (1 of 4 stars; one submission).

Conditions:
GTP cyclohydrolase I deficiency. Identifiers: MedGen C0268467, MONDO:0100184.
Dystonia 5 (DRD). Also called: DYSTONIA, PROGRESSIVE, WITH DIURNAL VARIATION; DYSTONIA-PARKINSONISM WITH DIURNAL FLUCTUATION; GTP Cyclohydrolase 1-Deficient Dopa-Responsive Dystonia; DYT-GCH1; Dystonia, DOPA-responsive, with or without hyperphenylalaninemia. Identifiers: Orphanet 98808, MedGen C1851920, MONDO:0007495, OMIM 128230.

Submission:

Labcorp Genetics (formerly Invitae), Labcorp
Classification: Pathogenic for GTP cyclohydrolase I deficiency; Dystonia 5. Last evaluated: 2023-05-02. Review status: criteria provided, single submitter. Criteria: Invitae Variant Classification Sherloc (09022015). Collection method: clinical testing. Allele origin: germline.
Comment: For these reasons, this variant has been classified as Pathogenic. This variant has not been reported in the literature in individuals affected with GCH1-related conditions. This variant is not present in population databases (gnomAD no frequency). This sequence change creates a premature translational stop signal (p.Gln103*) in the GCH1 gene. It is expected to result in an absent or disrupted protein product. Loss-of-function variants in GCH1 are known to be pathogenic (PMID: 9667588, 19332422, 19491146, 25557619).

Literature cited by the submitters: PubMed 9667588; PubMed 19332422; PubMed 19491146; PubMed 25557619.

NM_000161.3(GCH1):c.307C>T (p.Gln103Ter)

Gene: GCH1 (GTP cyclohydrolase 1; minus strand). Cytogenetic location: 14q22.2.
Variant type: single nucleotide variant.
Coding change: c.307C>T on transcript NM_000161.3 (MANE Select); coding-DNA position 307, C replaced by T.
Protein change: p.Gln103Ter; replaces glutamine 103 with a stop codon.
Molecular consequence: nonsense.
Genome position (GRCh38, 1-based): chr14:54,902,357, G>A on the plus strand (C>T on the coding strand, the complement: GCH1 is on the minus strand). VCF-style: chr14-54902357-G-A. GRCh37 (hg19) VCF-style: chr14-55369075-G-A.
Other names: c.307C>T, p.Gln103Ter (NM_001024024.2, NM_001024070.2, NM_001024071.2 and 1 more transcripts); short protein forms Q103*.
Identifiers: ClinVar variation 2947428 (VCV002947428.3), dbSNP rs2504539104, ClinGen allele CA389793572.